The following is an entry in ClinVar:

NM_014956.5(CEP164):c.749dup (p.Gly250_Asp251insTer)

Gene: CEP164 (centrosomal protein 164; plus strand). Cytogenetic location: 11q23.3.
Variant type: Duplication.
Coding change: c.749dup on transcript NM_014956.5 (MANE Select); coding-DNA position 749, one base duplicated (G; older notation c.749dupG).
Protein change: p.Gly250_Asp251insTer.
Molecular consequence: frameshift variant.
Genome position (GRCh38, 1-based): chr11:117,363,490, G duplicated; the last of 6 consecutive G bases (chr11:117,363,485-117,363,490); duplicating any one gives the same sequence. VCF-style (leftmost placement, unchanged base first): chr11-117363484-T-TG. GRCh37 (hg19) VCF-style: chr11-117234200-T-TG.
Other names: c.749dup, p.Gly250_Asp251insTer (NM_001271933.2).
Identifiers: ClinVar variation 1002558 (VCV001002558.8), dbSNP rs1402460878, ClinGen allele CA382733285.
Genomic context (GRCh38, chr11:117,363,484, plus strand): 5'-TCTAGAGTGTCCACAGCTCAAGTGAGCCTCTTAGGAACCTACACCTGGACATTGGGGCAC[T>TG]GGGGGGTGACTTTGAGTATGAGGTAAGAGCCCTAATCCCTACAGGCACATGTGTCAGCCT-3'

ClinVar aggregate classification (germline): Pathogenic/Likely pathogenic. Review status: criteria provided, multiple submitters, no conflicts (2 of 4 stars). 3 submissions from 3 submitters: Pathogenic (1); Likely pathogenic (2). Last evaluated 2025-07-22.

Conditions:
Nephronophthisis 15 (NPHP15). Identifiers: Orphanet 3156, MedGen C3541853, MONDO:0013917, OMIM 614845.
CEP164-related disorder. Also called: CEP164-related condition.

Submissions (3):

Labcorp Genetics (formerly Invitae), Labcorp
Classification: Pathogenic for Nephronophthisis 15. Last evaluated: 2025-07-22. Review status: criteria provided, single submitter. Criteria: Invitae Variant Classification Sherloc (09022015). Collection method: clinical testing. Allele origin: germline.
Comment: This sequence change creates a premature translational stop signal (p.Asp251*) in the CEP164 gene. It is expected to result in an absent or disrupted protein product. Loss-of-function variants in CEP164 are known to be pathogenic (PMID: 22863007, 28125082, 32367404, 34132027, 34499853). This variant is present in population databases (no rsID available, gnomAD 0.0009%). This variant has not been reported in the literature in individuals affected with CEP164-related conditions. ClinVar contains an entry for this variant (Variation ID: 1002558). Algorithms developed to predict the effect of sequence changes on RNA splicing suggest that this variant may disrupt the consensus splice site. For these reasons, this variant has been classified as Pathogenic.

Fulgent Genetics
Classification: Likely pathogenic for Nephronophthisis 15. Last evaluated: 2024-04-26. Review status: criteria provided, single submitter. Criteria: ACMG Guidelines, 2015. Collection method: clinical testing. Allele origin: germline.

Blueprint Genetics
Classification: Likely pathogenic for CEP164-related disorders. Last evaluated: 2021-08-26. Review status: criteria provided, single submitter. Criteria: ACMG Guidelines, 2015. Collection method: clinical testing. Allele origin: germline. Affected: yes. Observed: 2 variant alleles.

Literature cited by the submitters: PubMed 22863007 (cited by Labcorp Genetics (formerly Invitae), Labcorp); PubMed 28125082 (cited by Labcorp Genetics (formerly Invitae), Labcorp); PubMed 32367404 (cited by Labcorp Genetics (formerly Invitae), Labcorp); PubMed 34132027 (cited by Labcorp Genetics (formerly Invitae), Labcorp); PubMed 34499853 (cited by Labcorp Genetics (formerly Invitae), Labcorp).